The following is an entry in ClinVar:

NM_001384732.1(CPLANE1):c.2225G>C (p.Trp742Ser)

Gene: CPLANE1 (ciliogenesis and planar polarity effector complex subunit 1; minus strand). Cytogenetic location: 5p13.2.
Variant type: single nucleotide variant.
Coding change: c.2225G>C on transcript NM_001384732.1 (MANE Select); coding-DNA position 2225, G replaced by C.
Protein change: p.Trp742Ser; replaces tryptophan 742 with serine.
Molecular consequence: missense variant.
Genome position (GRCh38, 1-based): chr5:37,226,370, C>G on the plus strand (G>C on the coding strand, the complement: CPLANE1 is on the minus strand). VCF-style: chr5-37226370-C-G. GRCh37 (hg19) VCF-style: chr5-37226472-C-G.
Other names: c.2225G>C, p.Trp742Ser (NM_023073.4); short protein forms W742S.
Identifiers: ClinVar variation 3368331 (VCV003368331.1).

ClinVar aggregate classification (germline): Uncertain significance (1 of 4 stars; one submission).

gnomAD v4.1: 5 of 1,548,240 alleles (0.00032%); highest among the groups gnomAD compares: African/African-American, 0.0069%; no homozygotes.

Submission:

GeneDx
Classification: Uncertain significance. Last evaluated: 2024-01-26. Review status: criteria provided, single submitter. Criteria: GeneDx Variant Classification Process June 2021. Collection method: clinical testing. Allele origin: germline. Affected: yes.
Comment: In silico analysis supports that this missense variant has a deleterious effect on protein structure/function; Has not been previously published as pathogenic or benign to our knowledge